The following is an entry in ClinVar:

ClinVar aggregate classification (germline): Likely benign. Review status: criteria provided, multiple submitters, no conflicts (2 of 4 stars). 5 submissions from 5 submitters: Likely benign (4). 1 of the submissions does not count toward it. Last evaluated 2025-12-16.

Conditions:
Rubinstein-Taybi syndrome (RSTS). Identifiers: Orphanet 783, MedGen C0035934, MONDO:0019188.
Menke-Hennekam syndrome 1 (MKHK1). Identifiers: MedGen C5193034, MONDO:0020763, OMIM 618332.
Rubinstein-Taybi syndrome due to CREBBP mutations (RSTS1). Also called: Rubinstein-Taybi syndrome 1; BROAD THUMBS AND GREAT TOES, CHARACTERISTIC FACIES, AND IMPAIRED INTELLECTUAL DEVELOPMENT; CREBBP-Related Rubinstein-Taybi Syndrome; BROAD THUMB-HALLUX SYNDROME; RUBINSTEIN-TAYBI SYNDROME 1, INCOMPLETE; RUBINSTEIN SYNDROME. Identifiers: Orphanet 353277, Orphanet 783, MedGen C4551859, MONDO:0008393, OMIM 180849.
Inborn genetic diseases. Identifiers: MedGen C0950123, MeSH D030342.
CREBBP-related disorder. Also called: CREBBP-related disorders; CREBBP-related condition.

Allele frequency attached by ClinVar (database versions not stated): TOPMed 0.00004; gnomAD 0.00006 and 0.00007.
gnomAD v4.1: 48 of 1,614,186 alleles (0.003%); highest among the groups gnomAD compares: Middle Eastern, 0.016%; no homozygotes.

Submissions (5):

Labcorp Genetics (formerly Invitae), Labcorp
Classification: Likely benign for Rubinstein-Taybi syndrome. Last evaluated: 2025-12-16. Review status: criteria provided, single submitter. Criteria: Invitae Variant Classification Sherloc (09022015). Collection method: clinical testing. Allele origin: germline.

Blueprint Genetics
Classification: Likely benign. Last evaluated: 2024-11-11. Review status: criteria provided, single submitter. Criteria: ACMG Guidelines, 2015. Collection method: clinical testing. Allele origin: germline.

Fulgent Genetics
Classification: Likely benign for Rubinstein-Taybi syndrome due to CREBBP mutations; Menke-Hennekam syndrome 1. Last evaluated: 2022-03-02. Review status: criteria provided, single submitter. Criteria: ACMG Guidelines, 2015. Collection method: clinical testing. Allele origin: unknown.

Ambry Genetics
Classification: Likely benign for Inborn genetic diseases. Last evaluated: 2016-09-14. Review status: criteria provided, single submitter. Criteria: Ambry Variant Classification Scheme 2023. Collection method: clinical testing. Allele origin: germline.

PreventionGenetics, part of Exact Sciences
Classification: Likely benign for CREBBP-related condition. Last evaluated: 2022-03-31. Review status: no assertion criteria provided. Collection method: clinical testing. Allele origin: germline. Not counted in ClinVar's aggregate classification.
Comment: This variant is classified as likely benign based on ACMG/AMP sequence variant interpretation guidelines (Richards et al. 2015 PMID: 25741868, with internal and published modifications).

NM_004380.3(CREBBP):c.435C>T (p.Pro145=)

Gene: CREBBP (CREB binding lysine acetyltransferase; minus strand). Cytogenetic location: 16p13.3.
Variant type: single nucleotide variant.
Coding change: c.435C>T on transcript NM_004380.3 (MANE Select); coding-DNA position 435, C replaced by T.
Protein change: p.Pro145=; no amino-acid change (proline 145 retained).
Molecular consequence: synonymous variant.
Genome position (GRCh38, 1-based): chr16:3,850,660, G>A on the plus strand (C>T on the coding strand, the complement: CREBBP is on the minus strand). VCF-style: chr16-3850660-G-A. GRCh37 (hg19) VCF-style: chr16-3900661-G-A.
Other names: c.435C>T, p.Pro145= (NM_001079846.1).
Identifiers: ClinVar variation 588271 (VCV000588271.14), dbSNP rs201435679, ClinGen allele CA7870676.
Genomic context (GRCh38, chr16:3,850,660, plus strand): 5'-GCTGCTAGTCGCCAGCCCCACTTGCTTTTGTGCTTGCGGATTCAGTGCTTGGGAGGCAGC[G>A]GGGGTGGGCCCAGAGGTGCTGGCTGCCTGTTTAGGCAGGCTGGGGGCTGAAGAATCTCCC-3'
Protein context (NP_004371.2, residues 135-155): KQAASTSGPT[Pro145=]AASQALNPQA